The following is an entry in ClinVar:

ClinVar aggregate classification (germline): Uncertain significance (1 of 4 stars; one submission).

Conditions:
Holoprosencephaly 3 (HPE3). Identifiers: Orphanet 2162, MedGen C1840529, MONDO:0007733, OMIM 142945.

Submission:

Labcorp Genetics (formerly Invitae), Labcorp
Classification: Uncertain significance for Holoprosencephaly 3. Last evaluated: 2024-04-01. Review status: criteria provided, single submitter. Criteria: Invitae Variant Classification Sherloc (09022015). Collection method: clinical testing. Allele origin: germline.
Comment: This variant occurs in a non-coding region of the SHH gene. It does not change the encoded amino acid sequence of the SHH protein. This variant is not present in population databases (gnomAD no frequency). This variant has not been reported in the literature in individuals affected with SHH-related conditions. Experimental studies and prediction algorithms are not available or were not evaluated, and the functional significance of this variant is currently unknown. In summary, the available evidence is currently insufficient to determine the role of this variant in disease. Therefore, it has been classified as a Variant of Uncertain Significance.

NC_000007.14:g.156779418A>G

Genes: LMBR1 (limb development membrane protein 1; minus strand), SHH (sonic hedgehog signaling molecule; minus strand). Cytogenetic location: 7q36.3.
Variant type: single nucleotide variant.
Molecular consequence: intron variant (on NM_022458.4).
Genome position: GRCh38 VCF-style: chr7-156779418-A-G. GRCh37 (hg19) VCF-style: chr7-156572112-A-G.
Other names: c.361-15623T>C (NM_001363412.2); c.145-15623T>C (NM_001350954.2); c.424-15623T>C (NM_001363410.2, NM_022458.4, NM_001363409.2 and 1 more transcripts); c.-34+237T>C (NM_001350958.2, NM_001350956.2, NM_001350955.2 and 1 more transcripts); c.55-15623T>C (NM_001350957.2, NM_001363411.2).
Identifiers: ClinVar variation 3645471 (VCV003645471.2).
Genomic context (GRCh38, chr7:156,779,418, plus strand): 5'-TTCTGCCAATGAAACATGAGTTGTTTTGAGTAAGCTATAGAATTAATCACGTTATTTCAT[A>G]CCAGCATTTTTTGAAATTACAACAACCTCAATATTATAAAAGGTTAAATTCGATGAAATA-3'